The following is an entry in ClinVar:

NM_024649.5(BBS1):c.1371C>T (p.Tyr457=)

Genes: BBS1 (Bardet-Biedl syndrome 1; plus strand), ZDHHC24 (zDHHC palmitoyltransferase 24; minus strand). Cytogenetic location: 11q13.2.
Variant type: single nucleotide variant.
Coding change: c.1371C>T on transcript NM_024649.5 (MANE Select); coding-DNA position 1371, C replaced by T.
Protein change: p.Tyr457=; no amino-acid change (tyrosine 457 retained).
Molecular consequence: synonymous variant. On other transcripts: intron variant (1).
Genome position (GRCh38, 1-based): chr11:66,529,850, C>T. VCF-style: chr11-66529850-C-T. GRCh37 (hg19) VCF-style: chr11-66297321-C-T.
Other names: c.560-362G>A (NM_001348571.2).
Identifiers: ClinVar variation 878123 (VCV000878123.16), dbSNP rs781014949, ClinGen allele CA6123748.

ClinVar aggregate classification (germline): Conflicting classifications of pathogenicity. Review status: criteria provided, conflicting classifications (1 of 4 stars). 4 submissions from 4 submitters: Uncertain significance (1); Likely benign (2). 1 of the submissions does not count toward it. Last evaluated 2024-01-30.

Conditions:
Bardet-Biedl syndrome 1 (BBS1). Identifiers: MedGen C2936862, MONDO:0008854, OMIM 209900. Disease mechanism: loss of function.
Bardet-Biedl syndrome (BBS). Identifiers: Orphanet 110, MedGen C0752166, MONDO:0015229.
BBS1-related disorder. Also called: BBS1-related condition.

Allele frequency attached by ClinVar (database versions not stated): gnomAD exomes 0.00003 and 0.00004; ExAC 0.00006; TOPMed 0.00002; gnomAD 0.00003.
gnomAD v4.1: 42 of 1,611,002 alleles (0.0026%); highest among the groups gnomAD compares: Non-Finnish European, 0.0035%; no homozygotes.

Submissions (4):

Fulgent Genetics
Classification: Likely benign for Bardet-Biedl syndrome 1. Last evaluated: 2024-01-30. Review status: criteria provided, single submitter. Criteria: ACMG Guidelines, 2015. Collection method: clinical testing. Allele origin: germline.

Labcorp Genetics (formerly Invitae), Labcorp
Classification: Likely benign for Bardet-Biedl syndrome. Last evaluated: 2024-01-08. Review status: criteria provided, single submitter. Criteria: Invitae Variant Classification Sherloc (09022015). Collection method: clinical testing. Allele origin: germline.

Illumina Laboratory Services, Illumina
Classification: Uncertain significance for Bardet-Biedl syndrome 1. Last evaluated: 2018-01-13. Review status: criteria provided, single submitter. Criteria: ICSL Variant Classification Criteria 13 December 2019. Collection method: clinical testing. Allele origin: germline.

PreventionGenetics, part of Exact Sciences
Classification: Likely benign for BBS1-related condition. Last evaluated: 2021-09-16. Review status: no assertion criteria provided. Collection method: clinical testing. Allele origin: germline. Not counted in ClinVar's aggregate classification.
Comment: This variant is classified as likely benign based on ACMG/AMP sequence variant interpretation guidelines (Richards et al. 2015 PMID: 25741868, with internal and published modifications).